The following is an entry in ClinVar:

ClinVar aggregate classification (germline): Benign. Review status: criteria provided, multiple submitters, no conflicts (2 of 4 stars). 6 submissions from 6 submitters: Benign (6). Last evaluated 2026-01-26.

Conditions:
Fanconi anemia (FA). Also called: Fanconi's anemia. Identifiers: Orphanet 84, MedGen C0015625, MeSH D005199, MONDO:0019391.
Fanconi anemia complementation group A (FANCA). Also called: Fanconi anemia, group A; FANCA-Related Fanconi Anemia. Identifiers: Orphanet 84, MedGen C3469521, MONDO:0009215, OMIM 227650.

Allele frequency attached by ClinVar (database versions not stated): gnomAD exomes 0.35664 and 0.42786; ESP Exome Variant Server 0.38037; gnomAD 0.40844 and 0.41505; TOPMed 0.42957; ExAC 0.43106; 1000 Genomes Project 0.54493; 1000 Genomes Project 30x 0.54606.
gnomAD v4.1: 550,892 of 1,519,736 alleles (36%); highest among the groups gnomAD compares: East Asian, 81%; 110,040 homozygotes.

Submissions (6):

Labcorp Genetics (formerly Invitae), Labcorp
Classification: Benign for Fanconi anemia. Last evaluated: 2026-01-26. Review status: criteria provided, single submitter. Criteria: Invitae Variant Classification Sherloc (09022015). Collection method: clinical testing. Allele origin: germline.

GeneKor MSA
Classification: Benign for Fanconi anemia complementation group A. Last evaluated: 2025-07-10. Review status: criteria provided, single submitter. Criteria: ACMG Guidelines, 2015. Collection method: clinical testing. Allele origin: germline.

Genome-Nilou Lab
Classification: Benign for Fanconi anemia complementation group A. Last evaluated: 2021-07-08. Review status: criteria provided, single submitter. Criteria: ACMG Guidelines, 2015. Collection method: clinical testing. Allele origin: germline. Affected: no.

GeneDx
Classification: Benign. Last evaluated: 2019-01-10. Review status: criteria provided, single submitter. Criteria: GeneDx Variant Classification Process June 2021. Collection method: clinical testing. Allele origin: germline. Affected: yes.
Comment: This variant is associated with the following publications: (PMID: 23021409)

Breakthrough Genomics
Classification: Benign. Review status: criteria provided, single submitter. Criteria: ACMG Guidelines, 2015. Collection method: not provided. Allele origin: germline. Inheritance: Autosomal recessive inheritance. Affected: yes.

PreventionGenetics, part of Exact Sciences
Classification: Benign. Review status: criteria provided, single submitter. Criteria: ACMG Guidelines, 2015. Collection method: clinical testing. Allele origin: germline.

NM_000135.4(FANCA):c.3240-42G>A

Gene: FANCA (FA complementation group A; minus strand). Cytogenetic location: 16q24.3.
Variant type: single nucleotide variant.
Coding change: c.3240-42G>A on transcript NM_000135.4 (MANE Select); 42 bases into the intron before coding-DNA position 3240, G replaced by A.
Molecular consequence: intron variant.
Genome position (GRCh38, 1-based): chr16:89,748,809, C>T on the plus strand (G>A on the coding strand, the complement: FANCA is on the minus strand). VCF-style: chr16-89748809-C-T. GRCh37 (hg19) VCF-style: chr16-89815217-C-T.
Other names: c.3240-42G>A (LRG_495t1, NM_001286167.3).
Identifiers: ClinVar variation 255254 (VCV000255254.18), dbSNP rs1800345, ClinGen allele CA8251269.
Genomic context (GRCh38, chr16:89,748,809, plus strand): 5'-AGGCAGGCGGAGGAGGATCCTGGAAAGAAGGGGCTGTATTGGTGGCGACAGCACAGCGTA[C>T]ACTCTGCTCCTTCCCAAGGGCTCAGACTCTCAGAGCAGCAACCACCACCCTGAAACCCAG-3'